The following is an entry in ClinVar:

NM_001122769.3(LCA5):c.1085G>T (p.Gly362Val)

Gene: LCA5 (lebercilin LCA5; minus strand). Cytogenetic location: 6q14.1.
Variant type: single nucleotide variant.
Coding change: c.1085G>T on transcript NM_001122769.3 (MANE Select); coding-DNA position 1085, G replaced by T.
Protein change: p.Gly362Val; replaces glycine 362 with valine.
Molecular consequence: missense variant.
Genome position (GRCh38, 1-based): chr6:79,491,601, C>A on the plus strand (G>T on the coding strand, the complement: LCA5 is on the minus strand). VCF-style: chr6-79491601-C-A. GRCh37 (hg19) VCF-style: chr6-80201318-C-A.
Other names: c.1085G>T, p.Gly362Val (NM_181714.4); c.1085G>T (NM_181714.3); short protein forms G362V.
Identifiers: ClinVar variation 1002008 (VCV001002008.4), dbSNP rs899869772, ClinGen allele CA141863219.

ClinVar aggregate classification (germline): Uncertain significance. Review status: criteria provided, multiple submitters, no conflicts (2 of 4 stars). 3 submissions from 3 submitters: Uncertain significance (2). 1 of the submissions does not count toward it. Last evaluated 2025-09-11.

Conditions:
Inborn genetic diseases. Identifiers: MedGen C0950123, MeSH D030342.
Leber congenital amaurosis 5 (LCA5). Also called: Amaurosis congenita of Leber, type 5. Identifiers: Orphanet 65, MedGen C1858301, MONDO:0011473, OMIM 604537.

Allele frequency attached by ClinVar (database versions not stated): TOPMed below 0.00001.
gnomAD v4.1: 2 of 1,612,978 alleles (0.00012%); no homozygotes.

Submissions (3):

Ambry Genetics
Classification: Uncertain significance for Inborn genetic diseases. Last evaluated: 2025-09-11. Review status: criteria provided, single submitter. Criteria: Ambry Variant Classification Scheme 2023. Collection method: clinical testing. Allele origin: germline.

Labcorp Genetics (formerly Invitae), Labcorp
Classification: Uncertain significance. Last evaluated: 2022-08-16. Review status: criteria provided, single submitter. Criteria: Invitae Variant Classification Sherloc (09022015). Collection method: clinical testing. Allele origin: germline.
Comment: This sequence change replaces glycine, which is neutral and non-polar, with valine, which is neutral and non-polar, at codon 362 of the LCA5 protein (p.Gly362Val). This variant is not present in population databases (gnomAD no frequency). This variant has not been reported in the literature in individuals affected with LCA5-related conditions. ClinVar contains an entry for this variant (Variation ID: 1002008). Algorithms developed to predict the effect of missense changes on protein structure and function (SIFT, PolyPhen-2, Align-GVGD) all suggest that this variant is likely to be tolerated. In summary, the available evidence is currently insufficient to determine the role of this variant in disease. Therefore, it has been classified as a Variant of Uncertain Significance.

Natera, Inc.
Classification: Uncertain significance for Leber congenital amaurosis type 5. Last evaluated: 2021-01-26. Review status: no assertion criteria provided. Collection method: clinical testing. Allele origin: germline. Not counted in ClinVar's aggregate classification.